The following is an entry in ClinVar:

NM_144643.4(SCLT1):c.1829+3A>G

Gene: SCLT1 (sodium channel and clathrin linker 1; minus strand). Cytogenetic location: 4q28.2.
Variant type: single nucleotide variant.
Coding change: c.1829+3A>G on transcript NM_144643.4 (MANE Select); 3 bases into the intron after coding-DNA position 1829, A replaced by G.
Molecular consequence: intron variant.
Genome position (GRCh38, 1-based): chr4:128,936,652, T>C on the plus strand (A>G on the coding strand, the complement: SCLT1 is on the minus strand). VCF-style: chr4-128936652-T-C. GRCh37 (hg19) VCF-style: chr4-129857807-T-C.
Identifiers: ClinVar variation 3345451 (VCV003345451.1).
Genomic context (GRCh38, chr4:128,936,652, plus strand): 5'-ATTAAACTATAGGTTAAAGAATTTCTTCTGTAAAACATGTCAAACAACTAACAGTAGACT[T>C]ACTTTAGATTATTGATTCTAATTTCTGCACTTTCAGTAAGTTTCTTCGTTTCTTCTTTCC-3'

ClinVar aggregate classification (germline): Likely benign (0 of 4 stars; one submission).

Conditions:
SCLT1-related disorder. Also called: SCLT1-related condition.

Submission:

PreventionGenetics, part of Exact Sciences
Classification: Likely benign for SCLT1-related condition. Last evaluated: 2024-08-28. Review status: no assertion criteria provided. Collection method: clinical testing. Allele origin: germline.
Comment: This variant is classified as likely benign based on ACMG/AMP sequence variant interpretation guidelines (Richards et al. 2015 PMID: 25741868, with internal and published modifications).